The following is an entry in ClinVar:

NM_001367561.1(DOCK7):c.3247_3248insGGACAGATGT (p.Ser1083fs)

Gene: DOCK7 (dedicator of cytokinesis 7; minus strand). Cytogenetic location: 1p31.3.
Variant type: Insertion.
Coding change: c.3247_3248insGGACAGATGT on transcript NM_001367561.1 (MANE Select); coding-DNA positions 3247 to 3248, GGACAGATGT inserted.
Protein change: p.Ser1083fs; shifts the reading frame from serine 1083.
Molecular consequence: frameshift variant.
Genome position: GRCh38 VCF-style: chr1-62539597-G-GACATCTGTCC. GRCh37 (hg19) VCF-style: chr1-63005268-G-GACATCTGTCC.
Other names: c.3247_3248insGGACAGATGT, p.Ser1083fs (NM_001271999.2, NM_001330614.2); c.3154_3155insGGACAGATGT, p.Ser1052fs (NM_001272000.2, NM_001272001.2, NM_033407.4); short protein forms S1083fs, S1052fs.
Identifiers: ClinVar variation 2818862 (VCV002818862.3), dbSNP rs2524777893, ClinGen allele CA2574390847.

ClinVar aggregate classification (germline): Pathogenic (1 of 4 stars; one submission).

Conditions:
Developmental and epileptic encephalopathy, 23 (DEE23). Also called: Epileptic encephalopathy, early infantile, 23. Identifiers: Orphanet 411986, MedGen C4014492, MONDO:0014371, OMIM 615859.

Submission:

Labcorp Genetics (formerly Invitae), Labcorp
Classification: Pathogenic for Developmental and epileptic encephalopathy, 23. Last evaluated: 2022-12-06. Review status: criteria provided, single submitter. Criteria: Invitae Variant Classification Sherloc (09022015). Collection method: clinical testing. Allele origin: germline.
Comment: For these reasons, this variant has been classified as Pathogenic. This sequence change creates a premature translational stop signal (p.Ser1083Trpfs*13) in the DOCK7 gene. It is expected to result in an absent or disrupted protein product. Loss-of-function variants in DOCK7 are known to be pathogenic (PMID: 24814191). This variant is not present in population databases (gnomAD no frequency). This variant has not been reported in the literature in individuals affected with DOCK7-related conditions.

Literature cited by the submitters: PubMed 24814191.